The following is an entry in ClinVar:

ClinVar aggregate classification (germline): Uncertain significance (1 of 4 stars; one submission).

Conditions:
Immunodeficiency 18 (IMD18). Also called: CD3-EPSILON DEFICIENCY; CD3epsilon deficiency. Identifiers: MedGen C3810127, MONDO:0014278, OMIM 615615.

Allele frequency attached by ClinVar (database versions not stated): gnomAD 0.00001; gnomAD exomes 0.00001 and 0.00004; ExAC 0.00002; TOPMed 0.00003.
gnomAD v4.1: 20 of 1,614,018 alleles (0.0012%); highest among the groups gnomAD compares: Admixed American, 0.022%; no homozygotes.

Submission:

Labcorp Genetics (formerly Invitae), Labcorp
Classification: Uncertain significance for Immunodeficiency 18. Last evaluated: 2022-07-05. Review status: criteria provided, single submitter. Criteria: Invitae Variant Classification Sherloc (09022015). Collection method: clinical testing. Allele origin: germline.
Comment: This sequence change replaces arginine, which is basic and polar, with lysine, which is basic and polar, at codon 155 of the CD3E protein (p.Arg155Lys). This variant is present in population databases (rs764151020, gnomAD 0.03%). This variant has not been reported in the literature in individuals affected with CD3E-related conditions. ClinVar contains an entry for this variant (Variation ID: 1428378). Algorithms developed to predict the effect of missense changes on protein structure and function output the following: SIFT: "Tolerated"; PolyPhen-2: "Benign"; Align-GVGD: "Class C0". The lysine amino acid residue is found in multiple mammalian species, which suggests that this missense change does not adversely affect protein function. In summary, the available evidence is currently insufficient to determine the role of this variant in disease. Therefore, it has been classified as a Variant of Uncertain Significance.

NM_000733.4(CD3E):c.464G>A (p.Arg155Lys)

Gene: CD3E (CD3 epsilon subunit of T-cell receptor complex; plus strand). Cytogenetic location: 11q23.3.
Variant type: single nucleotide variant.
Coding change: c.464G>A on transcript NM_000733.4 (MANE Select); coding-DNA position 464, G replaced by A.
Protein change: p.Arg155Lys; replaces arginine 155 with lysine.
Molecular consequence: missense variant.
Genome position (GRCh38, 1-based): chr11:118,313,818, G>A. VCF-style: chr11-118313818-G-A. GRCh37 (hg19) VCF-style: chr11-118184533-G-A.
Other names: short protein forms R155K.
Identifiers: ClinVar variation 1428378 (VCV001428378.5), dbSNP rs764151020, ClinGen allele CA6301723.